The following is an entry in ClinVar:

NM_005506.4(SCARB2):c.251A>G (p.Glu84Gly)

Gene: SCARB2 (scavenger receptor class B member 2; minus strand). Cytogenetic location: 4q21.1.
Variant type: single nucleotide variant.
Coding change: c.251A>G on transcript NM_005506.4 (MANE Select); coding-DNA position 251, A replaced by G.
Protein change: p.Glu84Gly; replaces glutamic acid 84 with glycine.
Molecular consequence: missense variant.
Genome position (GRCh38, 1-based): chr4:76,195,731, T>C on the plus strand (A>G on the coding strand, the complement: SCARB2 is on the minus strand). VCF-style: chr4-76195731-T-C. GRCh37 (hg19) VCF-style: chr4-77116884-T-C.
Other names: c.251A>G, p.Glu84Gly (NM_001204255.2); short protein forms E84G.
Identifiers: ClinVar variation 2859802 (VCV002859802.3), dbSNP rs2476284261, ClinGen allele CA357327478.

ClinVar aggregate classification (germline): Uncertain significance (1 of 4 stars; one submission).

Conditions:
Progressive myoclonic epilepsy. Also called: Familial progressive myoclonic epilepsy; Progressive myoclonus epilepsy; Myoclonic Epilepsies, Progressive; Myoclonus epilepsy. Identifiers: Orphanet 308, Orphanet 98261, MedGen C0751778, MONDO:0020074.

Allele frequency attached by ClinVar (database versions not stated): gnomAD exomes below 0.00001.
gnomAD v4.1: 1 of 1,614,008 alleles (0.000062%); highest among the groups gnomAD compares: South Asian, 0.0011%; no homozygotes.

Submission:

Labcorp Genetics (formerly Invitae), Labcorp
Classification: Uncertain significance for Progressive myoclonic epilepsy. Last evaluated: 2024-09-05. Review status: criteria provided, single submitter. Criteria: Invitae Variant Classification Sherloc (09022015). Collection method: clinical testing. Allele origin: germline.
Comment: This sequence change replaces glutamic acid, which is acidic and polar, with glycine, which is neutral and non-polar, at codon 84 of the SCARB2 protein (p.Glu84Gly). This variant is not present in population databases (gnomAD no frequency). This variant has not been reported in the literature in individuals affected with SCARB2-related conditions. Invitae Evidence Modeling of protein sequence and biophysical properties (such as structural, functional, and spatial information, amino acid conservation, physicochemical variation, residue mobility, and thermodynamic stability) indicates that this missense variant is not expected to disrupt SCARB2 protein function with a negative predictive value of 80%. In summary, the available evidence is currently insufficient to determine the role of this variant in disease. Therefore, it has been classified as a Variant of Uncertain Significance.